The following is an entry in ClinVar:

NM_000051.4(ATM):c.6348-9_6348-8insGGA

Genes: ATM (ATM serine/threonine kinase; plus strand), C11orf65 (chromosome 11 open reading frame 65; minus strand). Cytogenetic location: 11q22.3.
Variant type: Insertion.
Coding change: c.6348-9_6348-8insGGA on transcript NM_000051.4 (MANE Select); 9 bases into the intron before coding-DNA position 6348 through 8 bases into the intron before coding-DNA position 6348, GGA inserted.
Molecular consequence: intron variant.
Genome position: GRCh38 VCF-style: chr11-108319944-T-TAGG. GRCh37 (hg19) VCF-style: chr11-108190671-T-TAGG.
Other names: c.6348-9_6348-8insGGA (NM_001351834.2); c.641-10874_641-10873insTCC (NM_001330368.2); c.*39-10874_*39-10873insTCC (NM_001351110.2).
Identifiers: ClinVar variation 4719463 (VCV004719463.1).

ClinVar aggregate classification (germline): Uncertain significance (1 of 4 stars; one submission).

Conditions:
Ataxia-telangiectasia syndrome (AT). Also called: Ataxia-telangiectasia, complementation group D; AT, COMPLEMENTATION GROUP C; ATAXIA-TELANGIECTASIA, COMPLEMENTATION GROUP A; ATAXIA-TELANGIECTASIA, FRESNO VARIANT; Ataxia-telangiectasia; Ataxia-telangiectasia, complementation group E. Identifiers: Orphanet 100, MedGen C0004135, MONDO:0008840, OMIM 208900.

Submission:

Labcorp Genetics (formerly Invitae), Labcorp
Classification: Uncertain significance for Ataxia-telangiectasia syndrome. Last evaluated: 2025-05-13. Review status: criteria provided, single submitter. Criteria: Invitae Variant Classification Sherloc (09022015). Collection method: clinical testing. Allele origin: germline.
Comment: This sequence change falls in intron 43 of the ATM gene. It does not directly change the encoded amino acid sequence of the ATM protein. This variant is not present in population databases (gnomAD no frequency). This variant has not been reported in the literature in individuals affected with ATM-related conditions. Algorithms developed to predict the effect of sequence changes on RNA splicing suggest that this variant may disrupt the consensus splice site. In summary, the available evidence is currently insufficient to determine the role of this variant in disease. Therefore, it has been classified as a Variant of Uncertain Significance.